The following is an entry in ClinVar:

NM_003638.3(ITGA8):c.2445G>T (p.Glu815Asp)

Gene: ITGA8 (integrin subunit alpha 8; minus strand). Cytogenetic location: 10p13.
Variant type: single nucleotide variant.
Coding change: c.2445G>T on transcript NM_003638.3 (MANE Select); coding-DNA position 2445, G replaced by T.
Protein change: p.Glu815Asp; replaces glutamic acid 815 with aspartic acid.
Molecular consequence: missense variant.
Genome position (GRCh38, 1-based): chr10:15,575,522, C>A on the plus strand (G>T on the coding strand, the complement: ITGA8 is on the minus strand). VCF-style: chr10-15575522-C-A. GRCh37 (hg19) VCF-style: chr10-15617521-C-A.
Other names: c.2400G>T, p.Glu800Asp (NM_001291494.2); short protein forms E815D, E800D.
Identifiers: ClinVar variation 2071982 (VCV002071982.2), dbSNP rs112914197, ClinGen allele CA5419846.

ClinVar aggregate classification (germline): Uncertain significance. Review status: criteria provided, multiple submitters, no conflicts (2 of 4 stars). 2 submissions from 2 submitters: Uncertain significance (2). Last evaluated 2022-10-24.

Conditions:
Inborn genetic diseases. Identifiers: MedGen C0950123, MeSH D030342.

Allele frequency attached by ClinVar (database versions not stated): 1000 Genomes Project 30x 0.00031; ESP Exome Variant Server 0.00069.
gnomAD v4.1: 1,225 of 1,614,024 alleles (0.076%); highest among the groups gnomAD compares: Non-Finnish European, 0.097%; 1 homozygote.

Submissions (2):

Labcorp Genetics (formerly Invitae), Labcorp
Classification: Uncertain significance. Last evaluated: 2022-10-24. Review status: criteria provided, single submitter. Criteria: Invitae Variant Classification Sherloc (09022015). Collection method: clinical testing. Allele origin: germline.
Comment: This sequence change replaces glutamic acid, which is acidic and polar, with aspartic acid, which is acidic and polar, at codon 815 of the ITGA8 protein (p.Glu815Asp). This variant is present in population databases (rs112914197, gnomAD 0.09%), and has an allele count higher than expected for a pathogenic variant. This variant has not been reported in the literature in individuals affected with ITGA8-related conditions. Algorithms developed to predict the effect of missense changes on protein structure and function output the following: SIFT: "Tolerated"; PolyPhen-2: "Benign"; Align-GVGD: "Class C0". The aspartic acid amino acid residue is found in multiple mammalian species, which suggests that this missense change does not adversely affect protein function. In summary, the available evidence is currently insufficient to determine the role of this variant in disease. Therefore, it has been classified as a Variant of Uncertain Significance.

Ambry Genetics
Classification: Uncertain significance for Inborn genetic diseases. Last evaluated: 2021-10-06. Review status: criteria provided, single submitter. Criteria: Ambry Variant Classification Scheme 2023. Collection method: clinical testing. Allele origin: germline.